The following is an entry in ClinVar:

ClinVar aggregate classification (germline): Uncertain significance (1 of 4 stars; one submission).

Allele frequency attached by ClinVar (database versions not stated): TOPMed below 0.00001; gnomAD exomes 0.00001.

Submission:

Labcorp Genetics (formerly Invitae), Labcorp
Classification: Uncertain significance. Last evaluated: 2025-04-17. Review status: criteria provided, single submitter. Criteria: Invitae Variant Classification Sherloc (09022015). Collection method: clinical testing. Allele origin: germline.
Comment: This sequence change creates a premature translational stop signal (p.Trp82*) in the NDUFAF7 gene. It is expected to result in an absent or disrupted protein product. However, the current clinical and genetic evidence is not sufficient to establish whether loss-of-function variants in NDUFAF7 cause disease. This variant is present in population databases (no rsID available, gnomAD 0.0009%). This variant has not been reported in the literature in individuals affected with NDUFAF7-related conditions. ClinVar contains an entry for this variant (Variation ID: 1920003). Experimental studies and prediction algorithms are not available or were not evaluated, and the functional significance of this variant is currently unknown. In summary, the available evidence is currently insufficient to determine the role of this variant in disease. Therefore, it has been classified as a Variant of Uncertain Significance.

NM_144736.5(NDUFAF7):c.327G>A (p.Trp109Ter)

Gene: NDUFAF7 (NADH:ubiquinone oxidoreductase complex assembly factor 7; plus strand). Cytogenetic location: 2p22.2.
Variant type: single nucleotide variant.
Coding change: c.327G>A on transcript NM_144736.5 (MANE Select); coding-DNA position 327, G replaced by A.
Protein change: p.Trp109Ter; replaces tryptophan 109 with a stop codon.
Molecular consequence: nonsense. On other transcripts: non-coding transcript variant (10).
Genome position (GRCh38, 1-based): chr2:37,237,786, G>A. VCF-style: chr2-37237786-G-A. GRCh37 (hg19) VCF-style: chr2-37464929-G-A.
Other names: c.246G>A, p.Trp82Ter (NM_001083946.2, NM_001350025.2); c.327G>A, p.Trp109Ter (NM_001350024.2, NM_001350027.2); short protein forms W109*, W82*.
Identifiers: ClinVar variation 1920003 (VCV001920003.5), dbSNP rs1259354350, ClinGen allele CA346305390.